The following is an entry in ClinVar:

NM_001367624.2(ZNF469):c.3906G>T (p.Leu1302=)

Gene: ZNF469 (zinc finger protein 469; plus strand). Cytogenetic location: 16q24.2.
Variant type: single nucleotide variant.
Coding change: c.3906G>T on transcript NM_001367624.2 (MANE Select); coding-DNA position 3906, G replaced by T.
Protein change: p.Leu1302=; no amino-acid change (leucine 1302 retained).
Molecular consequence: synonymous variant.
Genome position (GRCh38, 1-based): chr16:88,431,376, G>T. VCF-style: chr16-88431376-G-T. GRCh37 (hg19) VCF-style: chr16-88497784-G-T.
Other names: NM_001127464.1:c.3822G>T; p.Leu1302=; NM_001127464.2:c.3822G>T.
Identifiers: ClinVar variation 1735278 (VCV001735278.8), dbSNP rs1042562062, ClinGen allele CA286375374.
Genomic context (GRCh38, chr16:88,431,376, plus strand): 5'-AAGCCTCGCCAACACGGCGCCCCACGGAAGCTCGCCAACGCCAGGTGTGGGCAGCCTGCT[G>T]GGTGGTCCTGGGGGCACACAGGCCCCAGTCTCCCACAACAGCAAGGACCCCCCTGCCCGC-3'
Protein context (NP_001354553.1, residues 1292-1312): SSPTPGVGSL[Leu1302=]GGPGGTQAPV

ClinVar aggregate classification (germline): Likely benign. Review status: criteria provided, multiple submitters, no conflicts (2 of 4 stars). 5 submissions from 5 submitters: Likely benign (5). Last evaluated 2026-01-21.

Conditions:
ZNF469-related disorder. Also called: ZNF469-related condition.
Cardiovascular phenotype. Identifiers: MedGen CN230736.

Allele frequency attached by ClinVar (database versions not stated): TOPMed 0.00017; gnomAD 0.00022.
gnomAD v4.1: 45 of 1,550,026 alleles (0.0029%); highest among the groups gnomAD compares: African/African-American, 0.056%; no homozygotes.

Submissions (5):

Labcorp Genetics (formerly Invitae), Labcorp
Classification: Likely benign. Last evaluated: 2026-01-21. Review status: criteria provided, single submitter. Criteria: Invitae Variant Classification Sherloc (09022015). Collection method: clinical testing. Allele origin: germline.

Women's Health and Genetics/Laboratory Corporation of America, LabCorp
Classification: Likely benign. Last evaluated: 2025-09-24. Review status: criteria provided, single submitter. Criteria: LabCorp Variant Classification Summary - May 2015. Collection method: clinical testing. Allele origin: germline.

Mayo Clinic Laboratories, Mayo Clinic
Classification: Likely benign. Last evaluated: 2025-01-20. Review status: criteria provided, single submitter. Criteria: ACMG Guidelines, 2015. Collection method: clinical testing. Allele origin: germline. Observed: 1 variant allele.
Comment: BS1, BP4, BP7

PreventionGenetics, part of Exact Sciences
Classification: Likely benign for ZNF469-related condition. Last evaluated: 2024-10-31. Review status: criteria provided, single submitter. Criteria: ACMG Guidelines, 2015. Collection method: clinical testing. Allele origin: germline.
Comment: This variant is classified as likely benign based on ACMG/AMP sequence variant interpretation guidelines (Richards et al. 2015 PMID: 25741868, with internal and published modifications).

Ambry Genetics
Classification: Likely benign for Cardiovascular phenotype. Last evaluated: 2019-10-20. Review status: criteria provided, single submitter. Criteria: Ambry Variant Classification Scheme 2023. Collection method: clinical testing. Allele origin: germline.